The following is an entry in ClinVar:

NM_000393.5(COL5A2):c.2471T>C (p.Val824Ala)

Gene: COL5A2 (collagen type V alpha 2 chain; minus strand). Cytogenetic location: 2q32.2.
Variant type: single nucleotide variant.
Coding change: c.2471T>C on transcript NM_000393.5 (MANE Select); coding-DNA position 2471, T replaced by C.
Protein change: p.Val824Ala; replaces valine 824 with alanine.
Molecular consequence: missense variant.
Genome position (GRCh38, 1-based): chr2:189,053,923, A>G on the plus strand (T>C on the coding strand, the complement: COL5A2 is on the minus strand). VCF-style: chr2-189053923-A-G. GRCh37 (hg19) VCF-style: chr2-189918649-A-G.
Other names: p.Val824Ala; short protein forms V824A.
Identifiers: ClinVar variation 3381677 (VCV003381677.2).
Genomic context (GRCh38, chr2:189,053,923, plus strand): 5'-ACACTAAAGAACACCAAAATACTGTCACTTACAGGATTGCCCCGGGAGCCAGGAGGGCCA[A>G]CTAAACCTCGAGGACCAGGTTCACCCTAGAAAGCAGATTTTAGATGGTTACTGTCCAAAA-3'
Protein context (NP_000384.2, residues 814-834): EKGEPGPRGL[Val824Ala]GPPGSRGNPG

ClinVar aggregate classification (germline): Uncertain significance. Review status: criteria provided, multiple submitters, no conflicts (2 of 4 stars). 2 submissions from 2 submitters: Uncertain significance (2). Last evaluated 2025-03-31.

gnomAD v4.1: 6 of 1,614,088 alleles (0.00037%); highest among the groups gnomAD compares: South Asian, 0.0011%; no homozygotes.

Submissions (2):

Mayo Clinic Laboratories, Mayo Clinic
Classification: Uncertain significance. Last evaluated: 2025-03-31. Review status: criteria provided, single submitter. Criteria: ACMG Guidelines, 2015. Collection method: clinical testing. Allele origin: germline. Observed: 1 variant allele.

GeneDx
Classification: Uncertain significance. Last evaluated: 2024-05-20. Review status: criteria provided, single submitter. Criteria: GeneDx Variant Classification Process June 2021. Collection method: clinical testing. Allele origin: germline. Affected: yes.
Comment: Not observed at significant frequency in large population cohorts (gnomAD); In silico analysis indicates that this missense variant does not alter protein structure/function; Has not been previously published as pathogenic or benign to our knowledge; This variant is associated with the following publications: (PMID: 22696272)